The following is an entry in ClinVar:

NM_001184.4(ATR):c.2799_2800del (p.Ile933fs)

Gene: ATR (ATR checkpoint kinase; minus strand). Cytogenetic location: 3q23.
Variant type: Deletion.
Coding change: c.2799_2800del on transcript NM_001184.4 (MANE Select); coding-DNA positions 2799 to 2800, 2 bases deleted (CT; older notation c.2799_2800delCT).
Protein change: p.Ile933fs; shifts the reading frame from isoleucine 933.
Molecular consequence: frameshift variant.
Genome position (GRCh38, 1-based): chr3:142,553,232-142,553,233, AG deleted on the plus strand (CT on the coding strand, the reverse complement: ATR is on the minus strand); deleting any 2 consecutive bases within chr3:142,553,232-142,553,234 gives the same sequence; the c. name uses the placement nearest the transcript's 3' end. VCF-style (leftmost placement, unchanged base first): chr3-142553231-CAG-C. GRCh37 (hg19) VCF-style: chr3-142272073-CAG-C.
Other names: c.2607_2608del, p.Ile869fs (NM_001354579.2); short protein forms I933fs, I869fs.
Identifiers: ClinVar variation 2723898 (VCV002723898.4), dbSNP rs868169034, ClinGen allele CA84745651.

ClinVar aggregate classification (germline): Pathogenic/Likely pathogenic. Review status: criteria provided, multiple submitters, no conflicts (2 of 4 stars). 2 submissions from 2 submitters: Pathogenic (1); Likely pathogenic (1). Last evaluated 2025-08-25.

Conditions:
ATR-related disorder. Also called: ATR-related condition.

Submissions (2):

Labcorp Genetics (formerly Invitae), Labcorp
Classification: Pathogenic. Last evaluated: 2025-08-25. Review status: criteria provided, single submitter. Criteria: Invitae Variant Classification Sherloc (09022015). Collection method: clinical testing. Allele origin: germline.
Comment: This sequence change creates a premature translational stop signal (p.Ile933Metfs*11) in the ATR gene. It is expected to result in an absent or disrupted protein product. Loss-of-function variants in ATR are known to be pathogenic (PMID: 21228398, 23144622). This variant is not present in population databases (gnomAD no frequency). This variant has not been reported in the literature in individuals affected with ATR-related conditions. ClinVar contains an entry for this variant (Variation ID: 2723898). For these reasons, this variant has been classified as Pathogenic.

Blueprint Genetics
Classification: Likely pathogenic for ATR-related disorders. Last evaluated: 2020-02-20. Review status: criteria provided, single submitter. Criteria: ACMG Guidelines, 2015. Collection method: clinical testing. Allele origin: germline. Affected: yes. Observed: 2 variant alleles.

Literature cited by the submitters: PubMed 21228398 (cited by Labcorp Genetics (formerly Invitae), Labcorp); PubMed 23144622 (cited by Labcorp Genetics (formerly Invitae), Labcorp).